The following is an entry in ClinVar:

ClinVar aggregate classification (germline): Uncertain significance. Review status: criteria provided, multiple submitters, no conflicts (2 of 4 stars). 2 submissions from 2 submitters: Uncertain significance (2). Last evaluated 2026-03-19.

Conditions:
Inborn genetic diseases. Identifiers: MedGen C0950123, MeSH D030342.

gnomAD v4.1: 23 of 1,613,892 alleles (0.0014%); highest among the groups gnomAD compares: Non-Finnish European, 0.0018%; no homozygotes.

Submissions (2):

Ambry Genetics
Classification: Uncertain significance for Inborn genetic diseases. Last evaluated: 2026-03-19. Review status: criteria provided, single submitter. Criteria: Ambry Variant Classification Scheme 2023. Collection method: clinical testing. Allele origin: germline.

Labcorp Genetics (formerly Invitae), Labcorp
Classification: Uncertain significance. Last evaluated: 2025-03-10. Review status: criteria provided, single submitter. Criteria: Invitae Variant Classification Sherloc (09022015). Collection method: clinical testing. Allele origin: germline.
Comment: This sequence change replaces valine, which is neutral and non-polar, with isoleucine, which is neutral and non-polar, at codon 330 of the SLC12A6 protein (p.Val330Ile). This variant is present in population databases (no rsID available, gnomAD 0.0009%). This variant has not been reported in the literature in individuals affected with SLC12A6-related conditions. Invitae Evidence Modeling of protein sequence and biophysical properties (such as structural, functional, and spatial information, amino acid conservation, physicochemical variation, residue mobility, and thermodynamic stability) indicates that this missense variant is not expected to disrupt SLC12A6 protein function with a negative predictive value of 80%. In summary, the available evidence is currently insufficient to determine the role of this variant in disease. Therefore, it has been classified as a Variant of Uncertain Significance.

NM_001365088.1(SLC12A6):c.988G>A (p.Val330Ile)

Gene: SLC12A6 (solute carrier family 12 member 6; minus strand). Cytogenetic location: 15q14.
Variant type: single nucleotide variant.
Coding change: c.988G>A on transcript NM_001365088.1 (MANE Select); coding-DNA position 988, G replaced by A.
Protein change: p.Val330Ile; replaces valine 330 with isoleucine.
Molecular consequence: missense variant.
Genome position (GRCh38, 1-based): chr15:34,254,478, C>T on the plus strand (G>A on the coding strand, the complement: SLC12A6 is on the minus strand). VCF-style: chr15-34254478-C-T. GRCh37 (hg19) VCF-style: chr15-34546679-C-T.
Other names: c.835G>A, p.Val279Ile (NM_005135.2); c.988G>A, p.Val330Ile (NM_133647.2); c.811G>A, p.Val271Ile (NM_001042494.2, NM_001042495.2); c.961G>A, p.Val321Ile (NM_001042496.2); c.943G>A, p.Val315Ile (NM_001042497.2); short protein forms V271I, V315I, V330I, V279I, V321I.
Identifiers: ClinVar variation 4737282 (VCV004737282.2).
Genomic context (GRCh38, chr15:34,254,478, plus strand): 5'-AGGCCAGGAAAAGTGAGGCAAACTTGTTCACATAGCGTACGCCGATAAATACCACTAATA[C>T]CATAAGGACCAAGAAAGCTGTGCCGTAGACACGCATGTTATTTAGCATGGCTGCTGATTC-3'
Protein context (NP_001352017.1, residues 320-340): VYGTAFLVLM[Val330Ile]LVVFIGVRYV